The following is an entry in ClinVar:

NM_000038.6(APC):c.1074G>A (p.Gln358=)

Gene: APC (APC regulator of Wnt signaling pathway; plus strand). Cytogenetic location: 5q22.2.
Variant type: single nucleotide variant.
Coding change: c.1074G>A on transcript NM_000038.6 (MANE Select); coding-DNA position 1074, G replaced by A.
Protein change: p.Gln358=; no amino-acid change (glutamine 358 retained).
Molecular consequence: synonymous variant. On other transcripts: intron variant (4).
Genome position (GRCh38, 1-based): chr5:112,819,106, G>A. VCF-style: chr5-112819106-G-A. GRCh37 (hg19) VCF-style: chr5-112154803-G-A.
Other names: c.1074G>A, p.Gln358= (NM_001127510.3, NM_001354895.2, NM_001354896.2); c.1020G>A, p.Gln340= (NM_001127511.3); c.1104G>A, p.Gln368= (NM_001354897.2); c.999G>A, p.Gln333= (NM_001354898.2); c.990G>A, p.Gln330= (NM_001354899.2); c.897G>A, p.Gln299= (NM_001354900.2, NM_001354901.2); c.225G>A, p.Gln75= (NM_001354906.2); c.964-163G>A (NM_001354902.2); and 3 more.
Identifiers: ClinVar variation 818340 (VCV000818340.12), dbSNP rs1580528988, ClinGen allele CA445755823.

ClinVar aggregate classification (germline): Benign/Likely benign. Review status: criteria provided, multiple submitters, no conflicts (2 of 4 stars). 3 submissions from 3 submitters: Benign (1); Likely benign (2). Last evaluated 2024-02-29.

Conditions:
Hereditary cancer-predisposing syndrome. Also called: Tumor predisposition; Hereditary neoplastic syndrome; Neoplastic Syndromes, Hereditary; Hereditary Cancer Syndrome. Identifiers: Orphanet 140162, MedGen C0027672, MeSH D009386, MONDO:0015356.
Familial adenomatous polyposis 1 (FAP1). Also called: FAMILIAL ADENOMATOUS POLYPOSIS 1, ATTENUATED; POLYPOSIS, ADENOMATOUS INTESTINAL. Identifiers: MedGen C2713442, MONDO:0021056, OMIM 175100. Disease mechanism: loss of function.

Submissions (3):

Myriad Genetics, Inc.
Classification: Benign for Familial adenomatous polyposis 1. Last evaluated: 2024-02-29. Review status: criteria provided, single submitter. Criteria: Myriad Autosomal Dominant, Autosomal Recessive and X-Linked Classification Criteria (2023). Collection method: clinical testing. Allele origin: unknown.
Comment: This variant is considered benign. This variant is a silent/synonymous amino acid change and it is not expected to impact splicing.

Labcorp Genetics (formerly Invitae), Labcorp
Classification: Likely benign for Familial adenomatous polyposis 1. Last evaluated: 2020-12-14. Review status: criteria provided, single submitter. Criteria: Invitae Variant Classification Sherloc (09022015). Collection method: clinical testing. Allele origin: germline.

Ambry Genetics
Classification: Likely benign for Hereditary cancer-predisposing syndrome. Last evaluated: 2019-01-29. Review status: criteria provided, single submitter. Criteria: Ambry Variant Classification Scheme 2023. Collection method: clinical testing. Allele origin: germline.